The following is an entry in ClinVar:

ClinVar aggregate classification (germline): Uncertain significance. Review status: criteria provided, multiple submitters, no conflicts (2 of 4 stars). 3 submissions from 3 submitters: Uncertain significance (2). 1 of the submissions does not count toward it. Last evaluated 2024-01-12.

Conditions:
Bloom syndrome (BLM). Also called: Bloom-Torre-Machacek syndrome. Identifiers: Orphanet 125, MedGen C0005859, MONDO:0008876, OMIM 210900.
Hereditary cancer-predisposing syndrome. Also called: Tumor predisposition; Hereditary Cancer Syndrome; Neoplastic Syndromes, Hereditary; Hereditary neoplastic syndrome. Identifiers: Orphanet 140162, MedGen C0027672, MeSH D009386, MONDO:0015356.

Allele frequency attached by ClinVar (database versions not stated): gnomAD exomes below 0.00001.
gnomAD v4.1: 2 of 1,614,130 alleles (0.00012%); highest among the groups gnomAD compares: South Asian, 0.0022%; no homozygotes.

Submissions (3):

Labcorp Genetics (formerly Invitae), Labcorp
Classification: Uncertain significance for Bloom syndrome. Last evaluated: 2024-01-12. Review status: criteria provided, single submitter. Criteria: Invitae Variant Classification Sherloc (09022015). Collection method: clinical testing. Allele origin: germline.
Comment: This sequence change replaces alanine, which is neutral and non-polar, with threonine, which is neutral and polar, at codon 905 of the BLM protein (p.Ala905Thr). This variant is not present in population databases (gnomAD no frequency). This variant has not been reported in the literature in individuals affected with BLM-related conditions. ClinVar contains an entry for this variant (Variation ID: 821701). Advanced modeling of protein sequence and biophysical properties (such as structural, functional, and spatial information, amino acid conservation, physicochemical variation, residue mobility, and thermodynamic stability) performed at Invitae indicates that this missense variant is expected to disrupt BLM protein function with a positive predictive value of 80%. In summary, the available evidence is currently insufficient to determine the role of this variant in disease. Therefore, it has been classified as a Variant of Uncertain Significance.

Ambry Genetics
Classification: Uncertain significance for Hereditary cancer-predisposing syndrome. Last evaluated: 2021-08-27. Review status: criteria provided, single submitter. Criteria: Ambry Variant Classification Scheme 2023. Collection method: clinical testing. Allele origin: germline.
Comment: The p.A905T variant (also known as c.2713G>A), located in coding exon 13 of the BLM gene, results from a G to A substitution at nucleotide position 2713. The alanine at codon 905 is replaced by threonine, an amino acid with similar properties. This amino acid position is highly conserved in available vertebrate species. In addition, this alteration is predicted to be deleterious by in silico analysis. Since supporting evidence is limited at this time, the clinical significance of this alteration remains unclear.

Natera, Inc.
Classification: Uncertain significance for Bloom syndrome. Last evaluated: 2020-09-26. Review status: no assertion criteria provided. Collection method: clinical testing. Allele origin: germline. Not counted in ClinVar's aggregate classification.

NM_000057.4(BLM):c.2713G>A (p.Ala905Thr)

Gene: BLM (BLM RecQ like helicase; plus strand). Cytogenetic location: 15q26.1.
Variant type: single nucleotide variant.
Coding change: c.2713G>A on transcript NM_000057.4 (MANE Select); coding-DNA position 2713, G replaced by A.
Protein change: p.Ala905Thr; replaces alanine 905 with threonine.
Molecular consequence: missense variant.
Genome position (GRCh38, 1-based): chr15:90,784,971, G>A. VCF-style: chr15-90784971-G-A. GRCh37 (hg19) VCF-style: chr15-91328201-G-A.
Other names: c.2713G>A, p.Ala905Thr (NM_001287246.2, NM_001287247.2); c.1588G>A, p.Ala530Thr (NM_001287248.2); short protein forms A905T, A530T.
Identifiers: ClinVar variation 821701 (VCV000821701.8), dbSNP rs1596252085, ClinGen allele CA393845951.